The following is an entry in ClinVar:

ClinVar aggregate classification (germline): Uncertain significance (1 of 4 stars; one submission).

gnomAD v4.1: 16 of 1,614,186 alleles (0.00099%); highest among the groups gnomAD compares: Admixed American, 0.027%; no homozygotes.

Submission:

Labcorp Genetics (formerly Invitae), Labcorp
Classification: Uncertain significance. Last evaluated: 2022-08-31. Review status: criteria provided, single submitter. Criteria: Invitae Variant Classification Sherloc (09022015). Collection method: clinical testing. Allele origin: germline.
Comment: In summary, the available evidence is currently insufficient to determine the role of this variant in disease. Therefore, it has been classified as a Variant of Uncertain Significance. Algorithms developed to predict the effect of missense changes on protein structure and function (SIFT, PolyPhen-2, Align-GVGD) all suggest that this variant is likely to be tolerated. This variant has not been reported in the literature in individuals affected with TALDO1-related conditions. This variant is present in population databases (rs772647470, gnomAD 0.04%). This sequence change replaces arginine, which is basic and polar, with proline, which is neutral and non-polar, at codon 329 of the TALDO1 protein (p.Arg329Pro).

NM_006755.2(TALDO1):c.986G>C (p.Arg329Pro)

Gene: TALDO1 (transaldolase 1; plus strand). Cytogenetic location: 11p15.5.
Variant type: single nucleotide variant.
Coding change: c.986G>C on transcript NM_006755.2 (MANE Select); coding-DNA position 986, G replaced by C.
Protein change: p.Arg329Pro; replaces arginine 329 with proline.
Molecular consequence: missense variant.
Genome position (GRCh38, 1-based): chr11:764,817, G>C. VCF-style: chr11-764817-G-C. GRCh37 (hg19) VCF-style: chr11-764817-G-C.
Other names: short protein forms R329P.
Identifiers: ClinVar variation 2085915 (VCV002085915.3), dbSNP rs772647470, ClinGen allele CA5788408.